The following is an entry in ClinVar:

ClinVar aggregate classification (germline): Uncertain significance. Review status: criteria provided, multiple submitters, no conflicts (2 of 4 stars). 2 submissions from 2 submitters: Uncertain significance (2). Last evaluated 2024-07-02.

Conditions:
Hereditary cancer-predisposing syndrome. Also called: Tumor predisposition; Neoplastic Syndromes, Hereditary; Hereditary Cancer Syndrome; Hereditary neoplastic syndrome. Identifiers: Orphanet 140162, MedGen C0027672, MeSH D009386, MONDO:0015356.
Ataxia-telangiectasia syndrome (AT). Also called: ATAXIA-TELANGIECTASIA, COMPLEMENTATION GROUP A; ATAXIA-TELANGIECTASIA, FRESNO VARIANT; Ataxia-telangiectasia; Ataxia-telangiectasia, complementation group D; AT, COMPLEMENTATION GROUP C; Ataxia-telangiectasia, complementation group E. Identifiers: Orphanet 100, MedGen C0004135, MONDO:0008840, OMIM 208900.

Submissions (2):

Ambry Genetics
Classification: Uncertain significance for Hereditary cancer-predisposing syndrome. Last evaluated: 2024-07-02. Review status: criteria provided, single submitter. Criteria: Ambry Variant Classification Scheme 2023. Collection method: clinical testing. Allele origin: germline.
Comment: The p.L3045P variant (also known as c.9134T>C), located in coding exon 62 of the ATM gene, results from a T to C substitution at nucleotide position 9134. The leucine at codon 3045 is replaced by proline, an amino acid with similar properties. This amino acid position is highly conserved in available vertebrate species. In addition, this alteration is predicted to be deleterious by in silico analysis. Based on the available evidence, the clinical significance of this variant remains unclear.

Labcorp Genetics (formerly Invitae), Labcorp
Classification: Uncertain significance for Ataxia-telangiectasia syndrome. Last evaluated: 2023-06-27. Review status: criteria provided, single submitter. Criteria: Invitae Variant Classification Sherloc (09022015). Collection method: clinical testing. Allele origin: germline.
Comment: This variant is not present in population databases (gnomAD no frequency). This sequence change replaces leucine, which is neutral and non-polar, with proline, which is neutral and non-polar, at codon 3045 of the ATM protein (p.Leu3045Pro). This variant has not been reported in the literature in individuals affected with ATM-related conditions. In summary, the available evidence is currently insufficient to determine the role of this variant in disease. Therefore, it has been classified as a Variant of Uncertain Significance. An algorithm developed to predict the effect of missense changes on protein structure and function (PolyPhen-2) suggests that this variant is likely to be disruptive. ClinVar contains an entry for this variant (Variation ID: 823041).

NM_000051.4(ATM):c.9134T>C (p.Leu3045Pro)

Genes: ATM (ATM serine/threonine kinase; plus strand), C11orf65 (chromosome 11 open reading frame 65; minus strand). Cytogenetic location: 11q22.3.
Variant type: single nucleotide variant.
Coding change: c.9134T>C on transcript NM_000051.4 (MANE Select); coding-DNA position 9134, T replaced by C.
Protein change: p.Leu3045Pro; replaces leucine 3045 with proline.
Molecular consequence: missense variant. On other transcripts: intron variant (2).
Genome position (GRCh38, 1-based): chr11:108,365,471, T>C. VCF-style: chr11-108365471-T-C. GRCh37 (hg19) VCF-style: chr11-108236198-T-C.
Other names: c.9134T>C, p.Leu3045Pro (NM_001351834.2); c.640+20449A>G (NM_001330368.2); c.694+20449A>G (NM_001351110.2); short protein forms L3045P.
Identifiers: ClinVar variation 823041 (VCV000823041.10), dbSNP rs1591388159, ClinGen allele CA382532087.
Genomic context (GRCh38, chr11:108,365,471, plus strand): 5'-TGCTCAGTGTTGGTGGACAAGTGAATTTGCTCATACAGCAGGCCATAGACCCCAAAAATC[T>C]CAGCCGACTTTTCCCAGGATGGAAAGCTTGGGTGTGATCTTCAGTATATGAATTACCCTT-3'
Protein context (NP_000042.3, residues 3035-3055): LIQQAIDPKN[Leu3045Pro]SRLFPGWKAW